The following is an entry in ClinVar:

ClinVar aggregate classification (germline): Uncertain significance (1 of 4 stars; one submission).

Submission:

Labcorp Genetics (formerly Invitae), Labcorp
Classification: Uncertain significance. Last evaluated: 2025-08-26. Review status: criteria provided, single submitter. Criteria: Invitae Variant Classification Sherloc (09022015). Collection method: clinical testing. Allele origin: germline.
Comment: This sequence change replaces alanine, which is neutral and non-polar, with serine, which is neutral and polar, at codon 766 of the TNFAIP3 protein (p.Ala766Ser). This variant is not present in population databases (gnomAD no frequency). This variant has not been reported in the literature in individuals affected with TNFAIP3-related conditions. An algorithm developed to predict the effect of missense changes on protein structure and function (PolyPhen-2) suggests that this variant is likely to be disruptive. In summary, the available evidence is currently insufficient to determine the role of this variant in disease. Therefore, it has been classified as a Variant of Uncertain Significance.

NM_001270508.2(TNFAIP3):c.2296G>T (p.Ala766Ser)

Gene: TNFAIP3 (TNF alpha induced protein 3; plus strand). Cytogenetic location: 6q23.3.
Variant type: single nucleotide variant.
Coding change: c.2296G>T on transcript NM_001270508.2 (MANE Select); coding-DNA position 2296, G replaced by T.
Protein change: p.Ala766Ser; replaces alanine 766 with serine.
Molecular consequence: missense variant.
Genome position (GRCh38, 1-based): chr6:137,881,242, G>T. VCF-style: chr6-137881242-G-T. GRCh37 (hg19) VCF-style: chr6-138202379-G-T.
Other names: c.2296G>T, p.Ala766Ser (NM_001270507.2, NM_006290.4); short protein forms A766S.
Identifiers: ClinVar variation 4726112 (VCV004726112.1).